The following is an entry in ClinVar:

ClinVar aggregate classification (germline): Uncertain significance (1 of 4 stars; one submission).

Submission:

Labcorp Genetics (formerly Invitae), Labcorp
Classification: Uncertain significance. Last evaluated: 2025-10-24. Review status: criteria provided, single submitter. Criteria: Invitae Variant Classification Sherloc (09022015). Collection method: clinical testing. Allele origin: germline.
Comment: This sequence change replaces tyrosine, which is neutral and polar, with histidine, which is basic and polar, at codon 40 of the SETD5 protein (p.Tyr40His). This variant is not present in population databases (gnomAD no frequency). This variant has not been reported in the literature in individuals affected with SETD5-related conditions. Invitae Evidence Modeling of protein sequence and biophysical properties (such as structural, functional, and spatial information, amino acid conservation, physicochemical variation, residue mobility, and thermodynamic stability) indicates that this missense variant is expected to disrupt SETD5 protein function with a positive predictive value of 80%. In summary, the available evidence is currently insufficient to determine the role of this variant in disease. Therefore, it has been classified as a Variant of Uncertain Significance.

NM_001080517.3(SETD5):c.118T>C (p.Tyr40His)

Gene: SETD5 (SET domain containing 5; plus strand). Cytogenetic location: 3p25.3.
Variant type: single nucleotide variant.
Coding change: c.118T>C on transcript NM_001080517.3 (MANE Select); coding-DNA position 118, T replaced by C.
Protein change: p.Tyr40His; replaces tyrosine 40 with histidine.
Molecular consequence: missense variant. On other transcripts: 5 prime UTR variant (2).
Genome position (GRCh38, 1-based): chr3:9,433,891, T>C. VCF-style: chr3-9433891-T-C. GRCh37 (hg19) VCF-style: chr3-9475575-T-C.
Other names: c.-216T>C (NM_001292043.2); c.-257T>C (NM_001349451.2); c.118T>C, p.Tyr40His (NM_001437633.1, NM_001437635.1, NM_001437643.1 and 1 more transcripts); short protein forms Y40H.
Identifiers: ClinVar variation 4805297 (VCV004805297.1).
Genomic context (GRCh38, chr3:9,433,891, plus strand): 5'-TCGCCTTTGTGCAGCCCTGAATCTGTGGAGGCTAGTCCAGCAGTTAATGAGAAGAGCGTG[T>C]ATTCCACTCATAATTATGGGACCACTCAGAGGCATGGGTGTCGAGGACTGCCTTATGCTG-3'
Protein context (NP_001073986.1, residues 30-50): ASPAVNEKSV[Tyr40His]STHNYGTTQR